The following is an entry in ClinVar:

ClinVar aggregate classification (germline): Uncertain significance (1 of 4 stars; one submission).

Allele frequency attached by ClinVar (database versions not stated): ExAC 0.00002; TOPMed below 0.00001.
gnomAD v4.1: 3 of 1,612,134 alleles (0.00019%); highest among the groups gnomAD compares: Non-Finnish European, 0.00025%; no homozygotes.

Submission:

Labcorp Genetics (formerly Invitae), Labcorp
Classification: Uncertain significance. Last evaluated: 2025-04-02. Review status: criteria provided, single submitter. Criteria: Invitae Variant Classification Sherloc (09022015). Collection method: clinical testing. Allele origin: germline.
Comment: This sequence change replaces isoleucine, which is neutral and non-polar, with threonine, which is neutral and polar, at codon 539 of the DEAF1 protein (p.Ile539Thr). This variant is present in population databases (rs760160645, gnomAD 0.002%). This variant has not been reported in the literature in individuals affected with DEAF1-related conditions. ClinVar contains an entry for this variant (Variation ID: 2808212). Invitae Evidence Modeling of protein sequence and biophysical properties (such as structural, functional, and spatial information, amino acid conservation, physicochemical variation, residue mobility, and thermodynamic stability) indicates that this missense variant is not expected to disrupt DEAF1 protein function with a negative predictive value of 95%. In summary, the available evidence is currently insufficient to determine the role of this variant in disease. Therefore, it has been classified as a Variant of Uncertain Significance.

NM_021008.4(DEAF1):c.1616T>C (p.Ile539Thr)

Gene: DEAF1 (DEAF1 transcription factor; minus strand). Cytogenetic location: 11p15.5.
Variant type: single nucleotide variant.
Coding change: c.1616T>C on transcript NM_021008.4 (MANE Select); coding-DNA position 1616, T replaced by C.
Protein change: p.Ile539Thr; replaces isoleucine 539 with threonine.
Molecular consequence: missense variant.
Genome position (GRCh38, 1-based): chr11:644,632, A>G on the plus strand (T>C on the coding strand, the complement: DEAF1 is on the minus strand). VCF-style: chr11-644632-A-G. GRCh37 (hg19) VCF-style: chr11-644632-A-G.
Other names: c.1391T>C, p.Ile464Thr (NM_001293634.2); c.890T>C, p.Ile297Thr (NM_001367390.1); short protein forms I464T, I297T, I539T.
Identifiers: ClinVar variation 2808212 (VCV002808212.3), dbSNP rs760160645, ClinGen allele CA5786106.
Genomic context (GRCh38, chr11:644,632, plus strand): 5'-ACGCTTTCAGCCACGTGGACTTCGTCTGCCTGGACGGTGACAGCTGCTGACTGGCCGCAT[A>G]TGTGCTGGTGATCCTTCCAGTCCTGGAAGGGAGGACACACCCATGTCAGCAGGGTCAGTG-3'
Protein context (NP_066288.2, residues 529-549): QRKDWKDHQH[Ile539Thr]CGQSAAVTVQ